The following is an entry in ClinVar:

ClinVar aggregate classification (germline): Benign (1 of 4 stars; one submission).

Submission:

ISCA site 4
Classification: Benign. Last evaluated: 2011-08-12. Review status: criteria provided, single submitter. Criteria: Kaminsky et al. (Genet Med. 2011). Collection method: clinical testing. Allele origin: unknown. Affected: yes. Observed: 1 variant allele.
Comment: Copy number variation identified through the course of routine clinical cytogenomic testing in postnatal populations. Clinical assertions have been curated as described in Kaminsky et al. 2011.

GRCh38/hg38 1q44(chr1:247682931-248609256)x3

Genes: OR11L1 (olfactory receptor family 11 subfamily L member 1; minus strand), OR14A16 (olfactory receptor family 14 subfamily A member 16; minus strand), OR14A2 (olfactory receptor family 14 subfamily A member 2; minus strand), OR14C36 (olfactory receptor family 14 subfamily C member 36; plus strand), OR14K1 (olfactory receptor family 14 subfamily K member 1; plus strand) and 36 more. Cytogenetic location: 1q44.
Variant type: copy number gain.
Change: copy number 3 (three copies instead of two) of chr1:247,682,931-248,609,256 (926.3 kb, GRCh38 coordinates, 1-based), cytogenetic band 1q44.
Identifiers: ClinVar variation 57481 (VCV000057481.1).